The following is an entry in ClinVar:

NM_002519.3(NPAT):c.3806G>T (p.Arg1269Leu)

Gene: NPAT (nuclear protein, coactivator of histone transcription; minus strand). Cytogenetic location: 11q22.3.
Variant type: single nucleotide variant.
Coding change: c.3806G>T on transcript NM_002519.3 (MANE Select); coding-DNA position 3806, G replaced by T.
Protein change: p.Arg1269Leu; replaces arginine 1269 with leucine.
Molecular consequence: missense variant.
Genome position (GRCh38, 1-based): chr11:108,161,280, C>A on the plus strand (G>T on the coding strand, the complement: NPAT is on the minus strand). VCF-style: chr11-108161280-C-A. GRCh37 (hg19) VCF-style: chr11-108032007-C-A.
Other names: c.3827G>T, p.Arg1276Leu (NM_001321307.1); short protein forms R1269L, R1276L.
Identifiers: ClinVar variation 1735108 (VCV001735108.3), dbSNP rs770784235, ClinGen allele CA382510004.
Genomic context (GRCh38, chr11:108,161,280, plus strand): 5'-GCCTTGATAATATCTATAGGTTCTTCTTTATGTTTTTCCCCTGCCCCTGAGCCAGGTGTC[C>A]GGGGCACAGGTAAATCACTACTATCAGCAAGCCTACTTACTGAGCTGTGCCTCTGTATAT-3'
Protein context (NP_002510.2, residues 1259-1279): LADSSDLPVP[Arg1269Leu]TPGSGAGEKH

ClinVar aggregate classification (germline): Uncertain significance (1 of 4 stars; one submission).

Submission:

Ambry Genetics
Classification: Uncertain significance. Last evaluated: 2024-04-28. Review status: criteria provided, single submitter. Criteria: Ambry Variant Classification Scheme 2023. Collection method: clinical testing. Allele origin: germline.
Comment: The p.R1269L variant (also known as c.3806G>T), located in coding exon 17 of the NPAT gene, results from a G to T substitution at nucleotide position 3806. The arginine at codon 1269 is replaced by leucine, an amino acid with dissimilar properties. This amino acid position is conserved. In addition, this alteration is predicted to be tolerated by in silico analysis. Since supporting evidence is limited at this time, the clinical significance of this alteration remains unclear.